The following is an entry in ClinVar:

NM_014314.4(RIGI):c.2102A>G (p.Asp701Gly)

Gene: RIGI (RNA sensor RIG-I; minus strand). Cytogenetic location: 9p21.1.
Variant type: single nucleotide variant.
Coding change: c.2102A>G on transcript NM_014314.4 (MANE Select); coding-DNA position 2102, A replaced by G.
Protein change: p.Asp701Gly; replaces aspartic acid 701 with glycine.
Molecular consequence: missense variant. On other transcripts: intron variant (1).
Genome position (GRCh38, 1-based): chr9:32,467,845, T>C on the plus strand (A>G on the coding strand, the complement: RIGI is on the minus strand). VCF-style: chr9-32467845-T-C. GRCh37 (hg19) VCF-style: chr9-32467843-T-C.
Other names: c.2096A>G, p.Asp699Gly (NM_001385907.1); c.1661A>G, p.Asp554Gly (NM_001385910.1); c.1493A>G, p.Asp498Gly (NM_001385912.1); c.2087A>G, p.Asp696Gly (NM_001385913.1); c.1658A>G, p.Asp553Gly (NM_001385914.1); c.2015-1404A>G (NM_001385909.1); short protein forms D699G, D701G, D553G, D696G, D498G, D554G.
Identifiers: ClinVar variation 2981128 (VCV002981128.3), dbSNP rs376791494, ClinGen allele CA5019587.

ClinVar aggregate classification (germline): Uncertain significance (1 of 4 stars; one submission).

Allele frequency attached by ClinVar (database versions not stated): ESP Exome Variant Server 0.00008.
gnomAD v4.1: 7 of 1,613,724 alleles (0.00043%); highest among the groups gnomAD compares: African/African-American, 0.0093%; no homozygotes.

Submission:

Labcorp Genetics (formerly Invitae), Labcorp
Classification: Uncertain significance. Last evaluated: 2025-07-23. Review status: criteria provided, single submitter. Criteria: Invitae Variant Classification Sherloc (09022015). Collection method: clinical testing. Allele origin: germline.
Comment: This sequence change replaces aspartic acid, which is acidic and polar, with glycine, which is neutral and non-polar, at codon 701 of the DDX58 protein (p.Asp701Gly). This variant is present in population databases (rs376791494, gnomAD 0.03%). This variant has not been reported in the literature in individuals affected with DDX58-related conditions. ClinVar contains an entry for this variant (Variation ID: 2981128). Invitae Evidence Modeling of protein sequence and biophysical properties (such as structural, functional, and spatial information, amino acid conservation, physicochemical variation, residue mobility, and thermodynamic stability) indicates that this missense variant is expected to disrupt DDX58 protein function with a positive predictive value of 80%. In summary, the available evidence is currently insufficient to determine the role of this variant in disease. Therefore, it has been classified as a Variant of Uncertain Significance.